The following is an entry in ClinVar:

ClinVar aggregate classification (germline): Likely benign. Review status: criteria provided, multiple submitters, no conflicts (2 of 4 stars). 2 submissions from 2 submitters: Likely benign (2). Last evaluated 2025-03-01.

Conditions:
PKHD1-related disorder. Also called: PKHD1-related condition.
Autosomal recessive polycystic kidney disease (ARPKD). Also called: AR polycystic kidney disease. Identifiers: Orphanet 731, Orphanet 8378, MedGen C0085548, MeSH D017044, MONDO:0009889.

Allele frequency attached by ClinVar (database versions not stated): gnomAD exomes below 0.00001 and 0.00001.
gnomAD v4.1: 1 of 1,610,896 alleles (0.000062%); highest among the groups gnomAD compares: Non-Finnish European, 0.000085%; no homozygotes.

Submissions (2):

PreventionGenetics, part of Exact Sciences
Classification: Likely benign for PKHD1-related condition. Last evaluated: 2025-03-01. Review status: criteria provided, single submitter. Criteria: ACMG Guidelines, 2015. Collection method: clinical testing. Allele origin: germline.
Comment: This variant is classified as likely benign based on ACMG/AMP sequence variant interpretation guidelines (Richards et al. 2015 PMID: 25741868, with internal and published modifications).

Labcorp Genetics (formerly Invitae), Labcorp
Classification: Likely benign for Autosomal recessive polycystic kidney disease. Last evaluated: 2023-08-17. Review status: criteria provided, single submitter. Criteria: Invitae Variant Classification Sherloc (09022015). Collection method: clinical testing. Allele origin: germline.

NM_138694.4(PKHD1):c.435A>G (p.Pro145=)

Gene: PKHD1 (PKHD1 ciliary IPT domain containing fibrocystin/polyductin; minus strand). Cytogenetic location: 6p12.2.
Variant type: single nucleotide variant.
Coding change: c.435A>G on transcript NM_138694.4 (MANE Select); coding-DNA position 435, A replaced by G.
Protein change: p.Pro145=; no amino-acid change (proline 145 retained).
Molecular consequence: synonymous variant.
Genome position (GRCh38, 1-based): chr6:52,076,289, T>C on the plus strand (A>G on the coding strand, the complement: PKHD1 is on the minus strand). VCF-style: chr6-52076289-T-C. GRCh37 (hg19) VCF-style: chr6-51941087-T-C.
Other names: c.435A>G, p.Pro145= (NM_170724.3); c.435A>G (NM_138694.3).
Identifiers: ClinVar variation 1132042 (VCV001132042.8), dbSNP rs1385777368, ClinGen allele CA450421677.